The following is an entry in ClinVar:

NM_001042492.3(NF1):c.8272C>T (p.Pro2758Ser)

Gene: NF1 (neurofibromin 1; plus strand). Cytogenetic location: 17q11.2.
Variant type: single nucleotide variant.
Coding change: c.8272C>T on transcript NM_001042492.3 (MANE Select); coding-DNA position 8272, C replaced by T.
Protein change: p.Pro2758Ser; replaces proline 2758 with serine.
Molecular consequence: missense variant.
Genome position (GRCh38, 1-based): chr17:31,360,598, C>T. VCF-style: chr17-31360598-C-T. GRCh37 (hg19) VCF-style: chr17-29687616-C-T.
Other names: c.8209C>T, p.Pro2737Ser (NM_000267.4); short protein forms P2758S, P2737S.
Identifiers: ClinVar variation 4760272 (VCV004760272.1).

ClinVar aggregate classification (germline): Uncertain significance (1 of 4 stars; one submission).

Conditions:
Neurofibromatosis, type 1 (NF1). Also called: VON RECKLINGHAUSEN DISEASE; Neurofibromatosis, type I; NEUROFIBROMATOSIS, TYPE I, SOMATIC; Peripheral type neurofibromatosis. Identifiers: Orphanet 636, MedGen C0027831, MONDO:0018975, OMIM 162200. Disease mechanism: loss of function.

Submission:

Labcorp Genetics (formerly Invitae), Labcorp
Classification: Uncertain significance for Neurofibromatosis, type 1. Last evaluated: 2026-01-26. Review status: criteria provided, single submitter. Criteria: Invitae Variant Classification Sherloc (09022015). Collection method: clinical testing. Allele origin: germline.
Comment: This sequence change replaces proline, which is neutral and non-polar, with serine, which is neutral and polar, at codon 2737 of the NF1 protein (p.Pro2737Ser). This variant is not present in population databases (gnomAD no frequency). This variant has not been reported in the literature in individuals affected with NF1-related conditions. Invitae Evidence Modeling of protein sequence and biophysical properties (such as structural, functional, and spatial information, amino acid conservation, physicochemical variation, residue mobility, and thermodynamic stability) indicates that this missense variant is not expected to disrupt NF1 protein function with a negative predictive value of 95%. In summary, the available evidence is currently insufficient to determine the role of this variant in disease. Therefore, it has been classified as a Variant of Uncertain Significance.